The following is an entry in ClinVar:

ClinVar aggregate classification (germline): Uncertain significance (1 of 4 stars; one submission).

Conditions:
Brugada syndrome 8 (BRGDA8). Identifiers: Orphanet 130, MedGen C2751083, MONDO:0013148, OMIM 613123.

Submission:

Labcorp Genetics (formerly Invitae), Labcorp
Classification: Uncertain significance for Brugada syndrome 8. Last evaluated: 2025-02-06. Review status: criteria provided, single submitter. Criteria: Invitae Variant Classification Sherloc (09022015). Collection method: clinical testing. Allele origin: germline.
Comment: This sequence change creates a premature translational stop signal (p.Gly947Argfs*25) in the HCN4 gene. While this is not anticipated to result in nonsense mediated decay, it is expected to disrupt the last 257 amino acid(s) of the HCN4 protein. This variant is not present in population databases (gnomAD no frequency). This variant has not been reported in the literature in individuals affected with HCN4-related conditions. Experimental studies and prediction algorithms are not available or were not evaluated, and the functional significance of this variant is currently unknown. In summary, the available evidence is currently insufficient to determine the role of this variant in disease. Therefore, it has been classified as a Variant of Uncertain Significance.

NM_005477.3(HCN4):c.2838dup (p.Gly947fs)

Gene: HCN4 (hyperpolarization activated cyclic nucleotide gated potassium channel 4; minus strand). Cytogenetic location: 15q24.1.
Variant type: Duplication.
Coding change: c.2838dup on transcript NM_005477.3 (MANE Select); coding-DNA position 2838, one base duplicated (C; older notation c.2838dupC).
Protein change: p.Gly947fs; shifts the reading frame from glycine 947.
Molecular consequence: frameshift variant.
Genome position (GRCh38, 1-based): chr15:73,323,255, G duplicated on the plus strand (C on the coding strand, the reverse complement: HCN4 is on the minus strand); the first of 3 consecutive G bases (chr15:73,323,255-73,323,257); duplicating any one gives the same sequence. VCF-style (leftmost placement, unchanged base first): chr15-73323254-C-CG. GRCh37 (hg19) VCF-style: chr15-73615595-C-CG.
Other names: short protein forms G947fs.
Identifiers: ClinVar variation 4712420 (VCV004712420.1).